The following is an entry in ClinVar:

NM_002292.4(LAMB2):c.2336G>A (p.Gly779Asp)

Gene: LAMB2 (laminin subunit beta 2; minus strand). Cytogenetic location: 3p21.31.
Variant type: single nucleotide variant.
Coding change: c.2336G>A on transcript NM_002292.4 (MANE Select); coding-DNA position 2336, G replaced by A.
Protein change: p.Gly779Asp; replaces glycine 779 with aspartic acid.
Molecular consequence: missense variant.
Genome position (GRCh38, 1-based): chr3:49,125,975, C>T on the plus strand (G>A on the coding strand, the complement: LAMB2 is on the minus strand). VCF-style: chr3-49125975-C-T. GRCh37 (hg19) VCF-style: chr3-49163408-C-T.
Other names: short protein forms G779D.
Identifiers: ClinVar variation 665437 (VCV000665437.6), dbSNP rs200858061, ClinGen allele CA352725184.

ClinVar aggregate classification (germline): Uncertain significance (1 of 4 stars; one submission).

Conditions:
Pierson syndrome. Also called: MICROCORIA-CONGENITAL NEPHROTIC SYNDROME. Identifiers: Orphanet 2670, MedGen C1836876, MONDO:0012184, OMIM 609049.
LAMB2-related infantile-onset nephrotic syndrome. Also called: NEPHROTIC SYNDROME, TYPE 5, WITHOUT OCULAR ABNORMALITIES; NEPHROTIC SYNDROME, TYPE 5, WITH OCULAR ABNORMALITIES; Nephrotic Syndrome, type 5. Identifiers: Orphanet 306507, MedGen C3280113, MONDO:0013621, OMIM 614199.

gnomAD v4.1: 1 of 1,614,162 alleles (0.000062%); highest among the groups gnomAD compares: Admixed American, 0.0017%; no homozygotes.

Submission:

Labcorp Genetics (formerly Invitae), Labcorp
Classification: Uncertain significance for LAMB2-related infantile-onset nephrotic syndrome; Pierson syndrome. Last evaluated: 2018-12-27. Review status: criteria provided, single submitter. Criteria: Invitae Variant Classification Sherloc (09022015). Collection method: clinical testing. Allele origin: germline.
Comment: This variant has not been reported in the literature in individuals with LAMB2-related conditions. In summary, the available evidence is currently insufficient to determine the role of this variant in disease. Therefore, it has been classified as a Variant of Uncertain Significance. Algorithms developed to predict the effect of missense changes on protein structure and function (SIFT, PolyPhen-2, Align-GVGD) all suggest that this variant is likely to be disruptive, but these predictions have not been confirmed by published functional studies and their clinical significance is uncertain. This variant is not present in population databases (ExAC no frequency). This sequence change replaces glycine with aspartic acid at codon 779 of the LAMB2 protein (p.Gly779Asp). The glycine residue is highly conserved and there is a moderate physicochemical difference between glycine and aspartic acid.